The following is an entry in ClinVar:

NM_174936.4(PCSK9):c.1165G>C (p.Ala389Pro)

Gene: PCSK9 (proprotein convertase subtilisin/kexin type 9; plus strand). Cytogenetic location: 1p32.3.
Variant type: single nucleotide variant.
Coding change: c.1165G>C on transcript NM_174936.4 (MANE Select); coding-DNA position 1165, G replaced by C.
Protein change: p.Ala389Pro; replaces alanine 389 with proline.
Molecular consequence: missense variant. On other transcripts: non-coding transcript variant (8).
Genome position (GRCh38, 1-based): chr1:55,057,499, G>C. VCF-style: chr1-55057499-G-C. GRCh37 (hg19) VCF-style: chr1-55523172-G-C.
Other names: c.1288G>C, p.Ala430Pro (NM_001407240.1); c.1165G>C, p.Ala389Pro (NM_001407241.1, NM_001407244.1, NM_001407247.1); c.1168G>C, p.Ala390Pro (NM_001407242.1); c.1108G>C, p.Ala370Pro (NM_001407243.1); c.973G>C, p.Ala325Pro (NM_001407245.1); c.790G>C, p.Ala264Pro (NM_001407246.1); short protein forms A264P, A325P, A370P, A389P, A390P, A430P.
Identifiers: ClinVar variation 3894366 (VCV003894366.1).

ClinVar aggregate classification (germline): Uncertain significance (1 of 4 stars; one submission).

Conditions:
Familial hypercholesterolemia. Also called: Familial hypercholesterolaemia. Identifiers: MedGen C0020445, MONDO:0005439.

Submission:

Color Diagnostics, LLC DBA Color Health
Classification: Uncertain significance for Familial hypercholesterolemia. Last evaluated: 2024-06-30. Review status: criteria provided, single submitter. Criteria: ACMG Guidelines, 2015. Collection method: clinical testing. Allele origin: germline.
Comment: This missense variant replaces alanine with proline at codon 389 of the PCSK9 protein. Computational prediction suggests that this variant may have deleterious impact on protein structure and function (internally defined REVEL score threshold >= 0.7, PMID: 27666373). To our knowledge, functional studies have not been reported for this variant. This variant has not been reported in individuals affected with PCSK9-related disorders in the literature. This variant has not been identified in the general population by the Genome Aggregation Database (gnomAD). The available evidence is insufficient to determine the role of this variant in disease conclusively. Therefore, this variant is classified as a Variant of Uncertain Significance.